The following is an entry in ClinVar:

ClinVar aggregate classification (germline): Uncertain significance (1 of 4 stars; one submission).

Conditions:
DNA ligase IV deficiency. Identifiers: Orphanet 99812, MedGen C1847827, MONDO:0011686, OMIM 606593.

Allele frequency attached by ClinVar (database versions not stated): TOPMed 0.00002.

Submission:

Labcorp Genetics (formerly Invitae), Labcorp
Classification: Uncertain significance for DNA ligase IV deficiency. Last evaluated: 2022-05-25. Review status: criteria provided, single submitter. Criteria: Invitae Variant Classification Sherloc (09022015). Collection method: clinical testing. Allele origin: germline.
Comment: This sequence change replaces arginine, which is basic and polar, with histidine, which is basic and polar, at codon 32 of the LIG4 protein (p.Arg32His). The frequency data for this variant in the population databases is considered unreliable, as metrics indicate poor data quality at this position in the gnomAD database. This variant has not been reported in the literature in individuals affected with LIG4-related conditions. ClinVar contains an entry for this variant (Variation ID: 1040788). Algorithms developed to predict the effect of missense changes on protein structure and function (SIFT, PolyPhen-2, Align-GVGD) all suggest that this variant is likely to be tolerated. In summary, the available evidence is currently insufficient to determine the role of this variant in disease. Therefore, it has been classified as a Variant of Uncertain Significance.

NM_206937.2(LIG4):c.95G>A (p.Arg32His)

Gene: LIG4 (DNA ligase 4; minus strand). Cytogenetic location: 13q33.3.
Variant type: single nucleotide variant.
Coding change: c.95G>A on transcript NM_206937.2 (MANE Select); coding-DNA position 95, G replaced by A.
Protein change: p.Arg32His; replaces arginine 32 with histidine.
Molecular consequence: missense variant. On other transcripts: 5 prime UTR variant (1).
Genome position (GRCh38, 1-based): chr13:108,211,174, C>T on the plus strand (G>A on the coding strand, the complement: LIG4 is on the minus strand). VCF-style: chr13-108211174-C-T. GRCh37 (hg19) VCF-style: chr13-108863522-C-T.
Other names: c.95G>A, p.Arg32His (NM_001098268.2, NM_001352598.2, NM_001352599.2 and 6 more transcripts); c.-107G>A (NM_001330595.2); c.131G>A, p.Arg44His (NM_001352604.2); short protein forms R32H, R44H.
Identifiers: ClinVar variation 1040788 (VCV001040788.4), dbSNP rs777181224, ClinGen allele CA7043888.
Genomic context (GRCh38, chr13:108,211,174, plus strand): 5'-GCATCATGAAATTTTCTCCAAGAATCTAAAAATTCCCTGAAGTGTCTGATTTTTTCTGCA[C>T]GTCCTTTACTTTTCTGTATTCGTTCTAAAGTTGAACACAAATCTGCAAAAGGAACGTGAG-3'
Protein context (NP_996820.1, residues 22-42): TLERIQKSKG[Arg32His]AEKIRHFREF